The following is an entry in ClinVar:

ClinVar aggregate classification (germline): Uncertain significance. Review status: criteria provided, multiple submitters, no conflicts (2 of 4 stars). 3 submissions from 3 submitters: Uncertain significance (2). 1 of the submissions does not count toward it. Last evaluated 2025-08-12.

Conditions:
Inborn genetic diseases. Identifiers: MedGen C0950123, MeSH D030342.
Autosomal recessive limb-girdle muscular dystrophy type 2O. Also called: Limb-Girdle Muscular Dystrophy Type 3C; MUSCULAR DYSTROPHY-DYSTROGLYCANOPATHY (LIMB-GIRDLE), TYPE C, 3; MUSCULAR DYSTROPHY-DYSTROGLYCANOPATHY, LIMB-GIRDLE, POMGNT1-RELATED. Identifiers: Orphanet 206564, MedGen C3150417, MONDO:0013161, OMIM 613157.
Muscular dystrophy-dystroglycanopathy (congenital with impaired intellectual development), type B, 3. Also called: MUSCULAR DYSTROPHY, CONGENITAL, POMGNT1-RELATED; Muscular dystrophy-dystroglycanopathy (congenital with intellectual disability), type B3. Identifiers: MedGen C3150412, MONDO:0013155, OMIM 613151.
Muscle eye brain disease (MEB). Also called: Santavuori congenital muscular dystrophy. Identifiers: Orphanet 588, Orphanet 899, MedGen C0457133, MONDO:0018939.

Allele frequency attached by ClinVar (database versions not stated): gnomAD exomes 0.00001; gnomAD 0.00001; TOPMed 0.00001.
gnomAD v4.1: 9 of 1,614,044 alleles (0.00056%); highest among the groups gnomAD compares: Non-Finnish European, 0.00076%; no homozygotes.

Submissions (3):

Ambry Genetics
Classification: Uncertain significance for Inborn genetic diseases. Last evaluated: 2025-08-12. Review status: criteria provided, single submitter. Criteria: Ambry Variant Classification Scheme 2023. Collection method: clinical testing. Allele origin: germline.

Labcorp Genetics (formerly Invitae), Labcorp
Classification: Uncertain significance for Autosomal recessive limb-girdle muscular dystrophy type 2O; Muscular dystrophy-dystroglycanopathy (congenital with impaired intellectual development), type B, 3. Last evaluated: 2024-04-05. Review status: criteria provided, single submitter. Criteria: Invitae Variant Classification Sherloc (09022015). Collection method: clinical testing. Allele origin: germline.
Comment: This sequence change replaces glycine, which is neutral and non-polar, with arginine, which is basic and polar, at codon 327 of the POMGNT1 protein (p.Gly327Arg). This variant is not present in population databases (gnomAD no frequency). This variant has not been reported in the literature in individuals affected with POMGNT1-related conditions. ClinVar contains an entry for this variant (Variation ID: 1041133). Advanced modeling of protein sequence and biophysical properties (such as structural, functional, and spatial information, amino acid conservation, physicochemical variation, residue mobility, and thermodynamic stability) has been performed at Invitae for this missense variant, however the output from this modeling did not meet the statistical confidence thresholds required to predict the impact of this variant on POMGNT1 protein function. In summary, the available evidence is currently insufficient to determine the role of this variant in disease. Therefore, it has been classified as a Variant of Uncertain Significance.

Natera, Inc.
Classification: Uncertain significance for Muscle-eye-brain disease. Last evaluated: 2021-01-20. Review status: no assertion criteria provided. Collection method: clinical testing. Allele origin: germline. Not counted in ClinVar's aggregate classification.

NM_017739.4(POMGNT1):c.979G>A (p.Gly327Arg)

Genes: POMGNT1 (protein O-linked mannose N-acetylglucosaminyltransferase 1 (beta 1,2-); minus strand), TSPAN1 (tetraspanin 1; plus strand). Cytogenetic location: 1p34.1.
Variant type: single nucleotide variant.
Coding change: c.979G>A on transcript NM_017739.4 (MANE Select); coding-DNA position 979, G replaced by A.
Protein change: p.Gly327Arg; replaces glycine 327 with arginine.
Molecular consequence: missense variant.
Genome position (GRCh38, 1-based): chr1:46,193,611, C>T on the plus strand (G>A on the coding strand, the complement: POMGNT1 is on the minus strand). VCF-style: chr1-46193611-C-T. GRCh37 (hg19) VCF-style: chr1-46659283-C-T.
Other names: c.979G>A, p.Gly327Arg (NM_001243766.2, NM_001410783.1); c.913G>A, p.Gly305Arg (NM_001290129.3); c.550G>A, p.Gly184Arg (NM_001290130.2); c.979G>A (NM_017739.3); short protein forms G305R, G184R, G327R.
Identifiers: ClinVar variation 1041133 (VCV001041133.10), dbSNP rs1306444778, ClinGen allele CA340181001.
Genomic context (GRCh38, chr1:46,193,611, plus strand): 5'-AAGTCCTGCTCACCTCATAGTAGCCGTCAATGAAAACTGTTATCATCTGAGGAGACACCC[C>T]CTGGGCTGAAAGCAGAGAGCGCAGCATCCTGGGGAGCCCAGGGATAGGTTAGGGTCACTT-3'
Protein context (NP_060209.4, residues 317-337): RMLRSLLSAQ[Gly327Arg]VSPQMITVFI